The following is an entry in ClinVar:

ClinVar aggregate classification (germline): Uncertain significance (1 of 4 stars; one submission).

Conditions:
Developmental and epileptic encephalopathy, 9 (DEE9). Also called: Early infantile epileptic encephalopathy 9; PCDH19-Related X-Linked Female-Limited Epilepsy with Mental Retardation; JUBERG-HELLMAN SYNDROME; EPILEPSY, FEMALE-RESTRICTED, WITH MENTAL RETARDATION. Identifiers: Orphanet 101039, Orphanet 2076, MedGen C1848137, MONDO:0010246, OMIM 300088. Disease mechanism: loss of function.

Allele frequency attached by ClinVar (database versions not stated): gnomAD 0.00001; TOPMed 0.00001.
gnomAD v4.1: 1 of 1,205,585 alleles (0.000083%); highest among the groups gnomAD compares: Admixed American, 0.0022%; no homozygotes.

Submission:

Labcorp Genetics (formerly Invitae), Labcorp
Classification: Uncertain significance for Developmental and epileptic encephalopathy, 9. Last evaluated: 2025-07-24. Review status: criteria provided, single submitter. Criteria: Invitae Variant Classification Sherloc (09022015). Collection method: clinical testing. Allele origin: germline.
Comment: This sequence change replaces lysine, which is basic and polar, with glutamic acid, which is acidic and polar, at codon 735 of the PCDH19 protein (p.Lys735Glu). This variant is present in population databases (no rsID available, gnomAD 0.2%). This variant has not been reported in the literature in individuals affected with PCDH19-related conditions. ClinVar contains an entry for this variant (Variation ID: 864071). Invitae Evidence Modeling of protein sequence and biophysical properties (such as structural, functional, and spatial information, amino acid conservation, physicochemical variation, residue mobility, and thermodynamic stability) indicates that this missense variant is not expected to disrupt PCDH19 protein function with a negative predictive value of 95%. In summary, the available evidence is currently insufficient to determine the role of this variant in disease. Therefore, it has been classified as a Variant of Uncertain Significance.

NM_001184880.2(PCDH19):c.2203A>G (p.Lys735Glu)

Gene: PCDH19 (protocadherin 19; minus strand). Cytogenetic location: Xq22.1.
Variant type: single nucleotide variant.
Coding change: c.2203A>G on transcript NM_001184880.2 (MANE Select); coding-DNA position 2203, A replaced by G.
Protein change: p.Lys735Glu; replaces lysine 735 with glutamic acid.
Molecular consequence: missense variant. On other transcripts: intron variant (2).
Genome position (GRCh38, 1-based): chrX:100,403,609, T>C on the plus strand (A>G on the coding strand, the complement: PCDH19 is on the minus strand). VCF-style: chrX-100403609-T-C. GRCh37 (hg19) VCF-style: chrX-99658607-T-C.
Other names: c.2148-758A>G (NM_020766.3, NM_001105243.2); short protein forms K735E.
Identifiers: ClinVar variation 864071 (VCV000864071.10), dbSNP rs1382149285, ClinGen allele CA414007111.